The following is an entry in ClinVar:

ClinVar aggregate classification (germline): Uncertain significance (1 of 4 stars; one submission).

Allele frequency attached by ClinVar (database versions not stated): ExAC 0.00001; gnomAD 0.00001.

Submission:

GeneDx
Classification: Uncertain significance. Last evaluated: 2023-03-23. Review status: criteria provided, single submitter. Criteria: GeneDx Variant Classification Process June 2021. Collection method: clinical testing. Allele origin: germline. Affected: yes.
Comment: In silico analysis supports that this missense variant does not alter protein structure/function; Has not been previously published as pathogenic or benign to our knowledge

NM_016648.4(LARP7):c.1025A>G (p.Lys342Arg)

Genes: LARP7 (La ribonucleoprotein 7, transcriptional regulator; plus strand), MIR302CHG (miR-302/367 cluster host gene; minus strand). Cytogenetic location: 4q25.
Variant type: single nucleotide variant.
Coding change: c.1025A>G on transcript NM_016648.4 (MANE Select); coding-DNA position 1025, A replaced by G.
Protein change: p.Lys342Arg; replaces lysine 342 with arginine.
Molecular consequence: missense variant.
Genome position (GRCh38, 1-based): chr4:112,647,717, A>G. VCF-style: chr4-112647717-A-G. GRCh37 (hg19) VCF-style: chr4-113568873-A-G.
Other names: c.1025A>G, p.Lys342Arg (NM_001267039.4, NM_001370978.1, NM_015454.3); c.1064A>G, p.Lys355Arg (NM_001370974.1, NM_001370975.1); c.1061A>G, p.Lys354Arg (NM_001370976.1, NM_001370977.1); c.1022A>G, p.Lys341Arg (NM_001370979.1, NM_001370980.1); c.788A>G, p.Lys263Arg (NM_001370981.1, NM_001370982.1); short protein forms K263R, K341R, K342R, K354R, K355R.
Identifiers: ClinVar variation 2580642 (VCV002580642.1), dbSNP rs751686070, ClinGen allele CA3049370.